The following is an entry in ClinVar:

ClinVar aggregate classification (germline): Uncertain significance (1 of 4 stars; one submission).

gnomAD v4.1: 1 of 1,210,809 alleles (0.000083%); highest among the groups gnomAD compares: African/African-American, 0.0017%; no homozygotes.

Submission:

GeneDx
Classification: Uncertain significance. Last evaluated: 2025-06-18. Review status: criteria provided, single submitter. Criteria: GeneDx Variant Classification Process June 2021. Collection method: clinical testing. Allele origin: germline. Affected: yes.
Comment: Not observed at significant frequency in large population cohorts (gnomAD); Has not been previously published as pathogenic or benign to our knowledge; Canonical splice site variant located in a region of CDKL5 within the C-terminus where loss of function variants are generally not pathogenic (PMID: 21748340, 23756444, 34837432); This variant is associated with the following publications: (PMID: 21748340, 23756444, 34837432)

NM_000330.4(RS1):c.184+3222C>T

Genes: CDKL5 (cyclin dependent kinase like 5; plus strand), RS1 (retinoschisin 1; minus strand). Cytogenetic location: Xp22.13.
Variant type: single nucleotide variant.
Coding change: c.184+3222C>T on transcript NM_000330.4 (MANE Select); 3222 bases into the intron after coding-DNA position 184, C replaced by T.
Molecular consequence: intron variant. On other transcripts: splice acceptor variant (2).
Genome position (GRCh38, 1-based): chrX:18,653,431, G>A on the plus strand (C>T on the coding strand, the complement: RS1 is on the minus strand). VCF-style: chrX-18653431-G-A. GRCh37 (hg19) VCF-style: chrX-18671551-G-A.
Other names: c.2981-1G>A (NM_003159.3, NM_001037343.2).
Identifiers: ClinVar variation 4538786 (VCV004538786.1).
Genomic context (GRCh38, chrX:18,653,431, plus strand): 5'-GTGCACCTGCTAGCGCTCCTGGCAGCTCTGAGTGACCCCGCTGTCCTTCTGTGCTTTCCA[G>A]GGTTCTCTTTCTTCGTGAGACACGTTATGAGGGAAGCCCTGATTCACAGGGCCCAGGTAA-3'